The following is an entry in ClinVar:

NM_014003.4(DHX38):c.34C>T (p.Arg12Ter)

Gene: DHX38 (DEAH-box helicase 38; plus strand). Cytogenetic location: 16q22.2.
Variant type: single nucleotide variant.
Coding change: c.34C>T on transcript NM_014003.4 (MANE Select); coding-DNA position 34, C replaced by T.
Protein change: p.Arg12Ter; replaces arginine 12 with a stop codon.
Molecular consequence: nonsense.
Genome position (GRCh38, 1-based): chr16:72,096,191, C>T. VCF-style: chr16-72096191-C-T. GRCh37 (hg19) VCF-style: chr16-72130090-C-T.
Other names: short protein forms R12*.
Identifiers: ClinVar variation 1927749 (VCV001927749.5), dbSNP rs1253593221, ClinGen allele CA396698463.

ClinVar aggregate classification (germline): Uncertain significance (1 of 4 stars; one submission).

Submission:

Labcorp Genetics (formerly Invitae), Labcorp
Classification: Uncertain significance. Last evaluated: 2022-02-09. Review status: criteria provided, single submitter. Criteria: Invitae Variant Classification Sherloc (09022015). Collection method: clinical testing. Allele origin: germline.
Comment: This sequence change creates a premature translational stop signal (p.Arg12*) in the DHX38 gene. It is expected to result in an absent or disrupted protein product. However, the current clinical and genetic evidence is not sufficient to establish whether loss-of-function variants in DHX38 cause disease. This variant is not present in population databases (gnomAD no frequency). This variant has not been reported in the literature in individuals affected with DHX38-related conditions. In summary, the available evidence is currently insufficient to determine the role of this variant in disease. Therefore, it has been classified as a Variant of Uncertain Significance.